The following is an entry in ClinVar:

ClinVar aggregate classification (germline): Uncertain significance (1 of 4 stars; one submission).

Conditions:
Mendelian susceptibility to mycobacterial diseases due to partial STAT1 deficiency. Also called: IMMUNODEFICIENCY 31A, MYCOBACTERIOSIS, AUTOSOMAL DOMINANT; STAT1 DEFICIENCY, AUTOSOMAL DOMINANT; Immunodeficiency 31a. Identifiers: Orphanet 319595, MedGen C4013950, MONDO:0013956, OMIM 614892.
Immunodeficiency 31B. Also called: STAT1 DEFICIENCY, AUTOSOMAL RECESSIVE; IMMUNODEFICIENCY 31B, MYCOBACTERIAL AND VIRAL INFECTIONS, AUTOSOMAL RECESSIVE. Identifiers: Orphanet 391311, MedGen C3151088, MONDO:0013427, OMIM 613796.
Autoimmune enteropathy and endocrinopathy - susceptibility to chronic infections syndrome. Also called: Immunodeficiency 31C, autosomal dominant; Immunodeficiency 31C. Identifiers: Orphanet 391487, MedGen C3279990, MONDO:0013599, OMIM 614162.

Submission:

Labcorp Genetics (formerly Invitae), Labcorp
Classification: Uncertain significance for Mendelian susceptibility to mycobacterial diseases due to partial STAT1 deficiency; Immunodeficiency 31B; Autoimmune enteropathy and endocrinopathy - susceptibility to chronic infections syndrome. Last evaluated: 2022-03-03. Review status: criteria provided, single submitter. Criteria: Invitae Variant Classification Sherloc (09022015). Collection method: clinical testing. Allele origin: germline.
Comment: This sequence change replaces glutamine, which is neutral and polar, with arginine, which is basic and polar, at codon 330 of the STAT1 protein (p.Gln330Arg). This variant is not present in population databases (gnomAD no frequency). This variant has not been reported in the literature in individuals affected with STAT1-related conditions. ClinVar contains an entry for this variant (Variation ID: 960580). Algorithms developed to predict the effect of missense changes on protein structure and function are either unavailable or do not agree on the potential impact of this missense change (SIFT: "Tolerated"; PolyPhen-2: "Possibly Damaging"; Align-GVGD: "Class C0"). In summary, the available evidence is currently insufficient to determine the role of this variant in disease. Therefore, it has been classified as a Variant of Uncertain Significance.

NM_007315.4(STAT1):c.989A>G (p.Gln330Arg)

Gene: STAT1 (signal transducer and activator of transcription 1; minus strand). Cytogenetic location: 2q32.2.
Variant type: single nucleotide variant.
Coding change: c.989A>G on transcript NM_007315.4 (MANE Select); coding-DNA position 989, A replaced by G.
Protein change: p.Gln330Arg; replaces glutamine 330 with arginine.
Molecular consequence: missense variant. On other transcripts: intron variant (1).
Genome position (GRCh38, 1-based): chr2:190,991,276, T>C on the plus strand (A>G on the coding strand, the complement: STAT1 is on the minus strand). VCF-style: chr2-190991276-T-C. GRCh37 (hg19) VCF-style: chr2-191856002-T-C.
Other names: c.989A>G, p.Gln330Arg (NM_001384880.1, NM_001384882.1, NM_001384886.1 and 3 more transcripts); c.995A>G, p.Gln332Arg (NM_001384881.1, NM_001384884.1); c.890A>G, p.Gln297Arg (NM_001384883.1); c.830A>G, p.Gln277Arg (NM_001384885.1); c.899A>G, p.Gln300Arg (NM_001384890.1); c.1025A>G, p.Gln342Arg (NM_001384891.1); c.945-1602A>G (NM_001384887.1); short protein forms Q330R, Q277R, Q297R, Q300R, Q332R, Q342R.
Identifiers: ClinVar variation 960580 (VCV000960580.9), dbSNP rs1693312947, ClinGen allele CA349920756.